The following is an entry in ClinVar:

ClinVar aggregate classification (germline): Uncertain significance. Review status: criteria provided, multiple submitters, no conflicts (2 of 4 stars). 2 submissions from 2 submitters: Uncertain significance (2). Last evaluated 2024-02-29.

Conditions:
Polyglandular autoimmune syndrome, type 1 (APS1). Also called: Whitaker syndrome; Autoimmune polyendocrine syndrome type 1; AUTOIMMUNE POLYENDOCRINE SYNDROME, TYPE I, WITH OR WITHOUT REVERSIBLE METAPHYSEAL DYSPLASIA; PGA I; APS I; Autoimmune polyendocrinopathy syndrome , type I, with or without reversible metaphyseal dysplasia. Identifiers: Orphanet 3453, MedGen C0085859, MONDO:0009411, OMIM 240300.

Allele frequency attached by ClinVar (database versions not stated): ExAC 0.00002.
gnomAD v4.1: 11 of 1,612,518 alleles (0.00068%); highest among the groups gnomAD compares: South Asian, 0.011%; no homozygotes.

Submissions (2):

Blueprint Genetics
Classification: Uncertain significance. Last evaluated: 2024-02-29. Review status: criteria provided, single submitter. Criteria: ACMG Guidelines, 2015. Collection method: clinical testing. Allele origin: germline.

Labcorp Genetics (formerly Invitae), Labcorp
Classification: Uncertain significance for Polyglandular autoimmune syndrome, type 1. Last evaluated: 2021-12-31. Review status: criteria provided, single submitter. Criteria: Invitae Variant Classification Sherloc (09022015). Collection method: clinical testing. Allele origin: germline.
Comment: This sequence change replaces methionine, which is neutral and non-polar, with isoleucine, which is neutral and non-polar, at codon 536 of the AIRE protein (p.Met536Ile). This variant is present in population databases (rs772386639, gnomAD 0.01%). This variant has not been reported in the literature in individuals affected with AIRE-related conditions. Algorithms developed to predict the effect of missense changes on protein structure and function are either unavailable or do not agree on the potential impact of this missense change (SIFT: "Tolerated"; PolyPhen-2: "Probably Damaging"; Align-GVGD: "Class C0"). In summary, the available evidence is currently insufficient to determine the role of this variant in disease. Therefore, it has been classified as a Variant of Uncertain Significance.

NM_000383.4(AIRE):c.1608G>T (p.Met536Ile)

Gene: AIRE (autoimmune regulator; plus strand). Cytogenetic location: 21q22.3.
Variant type: single nucleotide variant.
Coding change: c.1608G>T on transcript NM_000383.4 (MANE Select); coding-DNA position 1608, G replaced by T.
Protein change: p.Met536Ile; replaces methionine 536 with isoleucine.
Molecular consequence: missense variant.
Genome position (GRCh38, 1-based): chr21:44,297,697, G>T. VCF-style: chr21-44297697-G-T. GRCh37 (hg19) VCF-style: chr21-45717580-G-T.
Other names: short protein forms M536I.
Identifiers: ClinVar variation 2180911 (VCV002180911.2), dbSNP rs772386639, ClinGen allele CA10052226.